The following is an entry in ClinVar:

ClinVar aggregate classification (germline): Pathogenic (1 of 4 stars; one submission).

Conditions:
Niemann-Pick disease, type C1. Also called: NEUROVISCERAL STORAGE DISEASE WITH VERTICAL SUPRANUCLEAR OPHTHALMOPLEGIA; NIEMANN-PICK DISEASE WITH CHOLESTEROL ESTERIFICATION BLOCK; NIEMANN-PICK DISEASE WITHOUT SPHINGOMYELINASE DEFICIENCY; NIEMANN-PICK DISEASE, CHRONIC NEURONOPATHIC FORM; NIEMANN-PICK DISEASE, VARIANT TYPE C1. Identifiers: Orphanet 646, MedGen C3179455, MONDO:0009757, OMIM 257220.

Submission:

Myriad Genetics, Inc.
Classification: Pathogenic for Niemann-Pick disease, type C1. Last evaluated: 2025-01-18. Review status: criteria provided, single submitter. Criteria: Myriad Autosomal Dominant, Autosomal Recessive and X-Linked Classification Criteria (2023). Collection method: clinical testing. Allele origin: unknown.
Comment: NM_000271.4(NPC1):c.280_281delCT(L94Vfs*9) is expected to be pathogenic in the context of Niemann-Pick disease type C1. This variant is predicted to lead to an abnormal or absent protein product due to the creation of a premature termination codon in NPC1, a gene where loss-of-function variants are known to be pathogenic. Please note: this variant was assessed in the context of healthy population screening.

NM_000271.5(NPC1):c.280_281del (p.Leu94fs)

Gene: NPC1 (NPC intracellular cholesterol transporter 1; minus strand). Cytogenetic location: 18q11.2.
Variant type: Deletion.
Coding change: c.280_281del on transcript NM_000271.5 (MANE Select); coding-DNA positions 280 to 281, 2 bases deleted (CT; older notation c.280_281delCT).
Protein change: p.Leu94fs; shifts the reading frame from leucine 94.
Molecular consequence: frameshift variant.
Genome position (GRCh38, 1-based): chr18:23,572,080-23,572,081, AG deleted on the plus strand (CT on the coding strand, the reverse complement: NPC1 is on the minus strand); deleting any 2 consecutive bases within chr18:23,572,080-23,572,082 gives the same sequence; the c. name uses the placement nearest the transcript's 3' end. VCF-style (leftmost placement, unchanged base first): chr18-23572079-CAG-C. GRCh37 (hg19) VCF-style: chr18-21152043-CAG-C.
Other names: short protein forms L94fs.
Identifiers: ClinVar variation 5013979 (VCV005013979.1).
Genomic context (GRCh38, chr18:23,572,079, plus strand): 5'-TACCAGTTCACAAGTATCTACAGCCCAGTTGTTCTGTTTCCCCAGCAGAACCTACCTGGA[CAG>C]AAACTGTAGAGGCAGCTGCAGGTTGTCTTTTAGTGTCTGAAGCTGCCGAACATCACAACA-3'